The following is an entry in ClinVar:

NM_001347995.2(ENTREP1):c.1695C>T (p.Cys565=)

Gene: ENTREP1 (endosomal transmembrane epsin interactor 1; plus strand). Cytogenetic location: 9q21.12.
Variant type: single nucleotide variant.
Coding change: c.1695C>T on transcript NM_001347995.2 (MANE Select); coding-DNA position 1695, C replaced by T.
Protein change: p.Cys565=; no amino-acid change (cysteine 565 retained).
Molecular consequence: synonymous variant.
Genome position (GRCh38, 1-based): chr9:69,391,687, C>T. VCF-style: chr9-69391687-C-T. GRCh37 (hg19) VCF-style: chr9-72006603-C-T.
Other names: c.1236C>T, p.Cys412= (NM_001127608.3, NM_004816.5).
Identifiers: ClinVar variation 678698 (VCV000678698.2), dbSNP rs36097736, ClinGen allele CA5074560.
Genomic context (GRCh38, chr9:69,391,687, plus strand): 5'-ATCCAGGGCCCACAAGCTGCCCTCGCGGAGACAGCCTGGCCTGCTGCACCTCCAGAGCTG[C>T]GGCGACCTTCACACCTTCACACCAGCGGGGAGGCCCCGAGCCGAGAGGAGGCCCCGGCGA-3'
Protein context (NP_001334924.1, residues 555-575): RQPGLLHLQS[Cys565=]GDLHTFTPAG

ClinVar aggregate classification (germline): Benign (1 of 4 stars; one submission).

Allele frequency attached by ClinVar (database versions not stated): gnomAD exomes 0.00111 and 0.00282; ExAC 0.00347; 1000 Genomes Project 0.00919; 1000 Genomes Project 30x 0.00953; gnomAD 0.01091 and 0.01175; TOPMed 0.01255; ESP Exome Variant Server 0.01269.
gnomAD v4.1: 3,376 of 1,614,114 alleles (0.21%); highest among the groups gnomAD compares: African/African-American, 3.8%; 63 homozygotes.

Submission:

GeneDx
Classification: Benign. Last evaluated: 2018-05-02. Review status: criteria provided, single submitter. Criteria: GeneDx Variant Classification (06012015). Collection method: clinical testing. Allele origin: germline. Affected: yes.
Comment: This variant is considered likely benign or benign based on one or more of the following criteria: it is a conservative change, it occurs at a poorly conserved position in the protein, it is predicted to be benign by multiple in silico algorithms, and/or has population frequency not consistent with disease.